The following is an entry in ClinVar:

ClinVar aggregate classification (germline): Likely benign (1 of 4 stars; one submission).

Conditions:
Lynch syndrome 4 (LYNCH4). Also called: Colorectal cancer, hereditary nonpolyposis, type 4; Hereditary non-polyposis colorectal cancer, type 4. Identifiers: Orphanet 144, MedGen C1838333, MONDO:0013699, OMIM 614337. Disease mechanism: loss of function.

Submission:

Myriad Genetics, Inc.
Classification: Likely benign for Lynch syndrome 4. Last evaluated: 2025-01-27. Review status: criteria provided, single submitter. Criteria: Myriad Autosomal Dominant, Autosomal Recessive and X-Linked Classification Criteria (2023). Collection method: clinical testing. Allele origin: unknown.
Comment: This variant is considered likely benign. This variant is intronic and is not expected to impact mRNA splicing.

NM_000535.7(PMS2):c.538-7T>C

Gene: PMS2 (PMS1 homolog 2, mismatch repair system component; minus strand). Cytogenetic location: 7p22.1.
Variant type: single nucleotide variant.
Coding change: c.538-7T>C on transcript NM_000535.7 (MANE Select); 7 bases into the intron before coding-DNA position 538, T replaced by C.
Molecular consequence: intron variant.
Genome position (GRCh38, 1-based): chr7:5,999,282, A>G on the plus strand (T>C on the coding strand, the complement: PMS2 is on the minus strand). VCF-style: chr7-5999282-A-G. GRCh37 (hg19) VCF-style: chr7-6038913-A-G.
Other names: c.220-7T>C (NM_001322008.2, NM_001406902.1, NM_001406883.1 and 4 more transcripts); c.229-7T>C (NM_001406881.1, NM_001406879.1, NM_001322015.2 and 6 more transcripts); c.133-7T>C (NM_001406895.1, NM_001322010.2, NM_001322004.2 and 21 more transcripts); c.132+3171T>C (NM_001406911.1); c.133-1859T>C (NM_001322013.2, NM_001406909.1); c.-347-56T>C (NM_001322012.2, NM_001322011.2); c.251-56T>C (NM_001406885.1); c.537+3171T>C (NM_001406886.1); and 4 more.
Identifiers: ClinVar variation 3903550 (VCV003903550.1).